The following is an entry in ClinVar:

ClinVar aggregate classification (germline): Uncertain significance (1 of 4 stars; one submission).

Submission:

Labcorp Genetics (formerly Invitae), Labcorp
Classification: Uncertain significance. Last evaluated: 2025-09-15. Review status: criteria provided, single submitter. Criteria: Invitae Variant Classification Sherloc (09022015). Collection method: clinical testing. Allele origin: germline.
Comment: This sequence change replaces tyrosine, which is neutral and polar, with histidine, which is basic and polar, at codon 68 of the EFEMP1 protein (p.Tyr68His). This variant is not present in population databases (gnomAD no frequency). This variant has not been reported in the literature in individuals affected with EFEMP1-related conditions. ClinVar contains an entry for this variant (Variation ID: 1995767). Invitae Evidence Modeling of protein sequence and biophysical properties (such as structural, functional, and spatial information, amino acid conservation, physicochemical variation, residue mobility, and thermodynamic stability) indicates that this missense variant is not expected to disrupt EFEMP1 protein function with a negative predictive value of 80%. In summary, the available evidence is currently insufficient to determine the role of this variant in disease. Therefore, it has been classified as a Variant of Uncertain Significance.

NM_001039348.3(EFEMP1):c.202T>C (p.Tyr68His)

Gene: EFEMP1 (EGF-like fibulin extracellular matrix protein 1; minus strand). Cytogenetic location: 2p16.1.
Variant type: single nucleotide variant.
Coding change: c.202T>C on transcript NM_001039348.3 (MANE Select); coding-DNA position 202, T replaced by C.
Protein change: p.Tyr68His; replaces tyrosine 68 with histidine.
Molecular consequence: missense variant.
Genome position (GRCh38, 1-based): chr2:55,917,980, A>G on the plus strand (T>C on the coding strand, the complement: EFEMP1 is on the minus strand). VCF-style: chr2-55917980-A-G. GRCh37 (hg19) VCF-style: chr2-56145115-A-G.
Other names: c.202T>C, p.Tyr68His (NM_001039349.3); short protein forms Y68H.
Identifiers: ClinVar variation 1995767 (VCV001995767.4), dbSNP rs2465837793, ClinGen allele CA347026965.